The following is an entry in ClinVar:

NM_024301.5(FKRP):c.621C>T (p.Leu207=)

Gene: FKRP (fukutin related protein; plus strand). Cytogenetic location: 19q13.32.
Variant type: single nucleotide variant.
Coding change: c.621C>T on transcript NM_024301.5 (MANE Select); coding-DNA position 621, C replaced by T.
Protein change: p.Leu207=; no amino-acid change (leucine 207 retained).
Molecular consequence: synonymous variant.
Genome position (GRCh38, 1-based): chr19:46,756,071, C>T. VCF-style: chr19-46756071-C-T. GRCh37 (hg19) VCF-style: chr19-47259328-C-T.
Other names: c.621C>T, p.Leu207= (NM_001039885.3).
Identifiers: ClinVar variation 385146 (VCV000385146.11), dbSNP rs1057522134, ClinGen allele CA16608198.
Genomic context (GRCh38, chr19:46,756,071, plus strand): 5'-CGCGCCCCGCTGCGACGCCCTGGACGGAGATGCTGTGGTGCTCCTGCGCGCCCGCGACCT[C>T]TTCAACCTCTCGGCGCCCCTGGCCCGGCCGGTGGGCACCAGCCTCTTTCTGCAGACCGCC-3'
Protein context (NP_077277.1, residues 197-217): DAVVLLRARD[Leu207=]FNLSAPLARP

ClinVar aggregate classification (germline): Likely benign. Review status: criteria provided, multiple submitters, no conflicts (2 of 4 stars). 3 submissions from 3 submitters: Likely benign (3). Last evaluated 2025-08-31.

Conditions:
Cardiovascular phenotype. Identifiers: MedGen CN230736.
Walker-Warburg congenital muscular dystrophy. Also called: Muscular dystrophy-dystroglycanopathy, type A; Walker-Warburg syndrome. Identifiers: Orphanet 899, MedGen C0265221, MONDO:0000171.

Allele frequency attached by ClinVar (database versions not stated): gnomAD 0.00001; gnomAD exomes 0.00001 and 0.00002; TOPMed 0.00002.

Submissions (3):

Labcorp Genetics (formerly Invitae), Labcorp
Classification: Likely benign for Walker-Warburg congenital muscular dystrophy. Last evaluated: 2025-08-31. Review status: criteria provided, single submitter. Criteria: Invitae Variant Classification Sherloc (09022015). Collection method: clinical testing. Allele origin: germline.

Ambry Genetics
Classification: Likely benign for Cardiovascular phenotype. Last evaluated: 2022-04-03. Review status: criteria provided, single submitter. Criteria: Ambry Variant Classification Scheme 2023. Collection method: clinical testing. Allele origin: germline.

GeneDx
Classification: Likely benign. Last evaluated: 2016-04-20. Review status: criteria provided, single submitter. Criteria: GeneDx Variant Classification (06012015). Collection method: clinical testing. Allele origin: germline. Affected: yes.
Comment: This variant is considered likely benign or benign based on one or more of the following criteria: it is a conservative change, it occurs at a poorly conserved position in the protein, it is predicted to be benign by multiple in silico algorithms, and/or has population frequency not consistent with disease.